The following is an entry in ClinVar:

NR_023343.3(RNU4ATAC):n.17_101dup

Genes: CLASP1 (cytoplasmic linker associated protein 1; minus strand), CLASP1-AS1 (CLASP1 antisense RNA 1; plus strand), RNU4ATAC (RNA, U4atac small nuclear; plus strand). Cytogenetic location: 2q14.2.
Variant type: Duplication.
Molecular consequence: non-coding transcript variant (on NR_023343.3). On other transcripts: intron variant (8).
Genome position: GRCh38: chr2:121,530,896-121,530,980. GRCh37 (hg19): chr2:122,288,472-122,288,556.
Other names: n.16_100dup; c.196-652_196-568dup (NM_001142274.2, NM_015282.3, NM_001378003.1 and 5 more transcripts).
Identifiers: ClinVar variation 4082130 (VCV004082130.1).

ClinVar aggregate classification (germline): Uncertain significance (1 of 4 stars; one submission).

Conditions:
RNU4ATAC spectrum disorder. Also called: RNU4atac-opathy. Identifiers: MedGen CN377746, MONDO:0100558.

Submission:

Broad Center for Mendelian Genomics, Broad Institute of MIT and Harvard
Classification: Uncertain significance for RNU4ATAC spectrum disorder. Last evaluated: 2025-08-28. Review status: criteria provided, single submitter. Criteria: ACMG/ClinGen CNV Guidelines, 2019. Collection method: clinical testing. Allele origin: inherited. Inheritance: Autosomal recessive inheritance. Affected: yes. Observed: 1 compound heterozygote.
Comment: A inherited heterozygous duplication (n.16_100dup) of 85bp in RNU4ATAC (NR_023343.1) was identified and confirmed by Sanger sequencing in 2 siblings with RNU4ATAC spectrum disorder and reported in the literature (PMID: 26641461). The patients phenotypes are nonspecific, but consistent with cases described in the literature and/or published databases with overlapping variants. Both siblings were compound heterozygotes that carried a reported likely pathogenic variant in trans, which increases the likelihood that the n.16_100dup variant is pathogenic (VCV000599282.39; PMID: 26641461). In summary, the clinical significance of the n.16_100dup variant is uncertain. The ACMG/ClinGen evidence codes and points used in this curation are as follows: 1:A 0 points, 3A: 0 points, 4C: 0.3 points; Total: 0.3 points; Riggs 2020 (PMID: 31690835).